The following is an entry in ClinVar:

ClinVar aggregate classification (germline): Likely benign. Review status: criteria provided, multiple submitters, no conflicts (2 of 4 stars). 2 submissions from 2 submitters: Likely benign (2). Last evaluated 2024-12-17.

Conditions:
Hereditary breast ovarian cancer syndrome. Also called: Hereditary breast and ovarian cancer; Hereditary breast and ovarian cancer syndrome (HBOC); Breast and ovarian cancer; Hereditary breast and/or ovarian cancer syndrome; BRCA1- and BRCA2-Associated Hereditary Breast and Ovarian Cancer; Hereditary breast and ovarian cancer syndrome. Identifiers: Orphanet 145, MedGen C0677776, MeSH D061325, MONDO:0003582. Disease mechanism: loss of function.

Submissions (3):

Women's Health and Genetics/Laboratory Corporation of America, LabCorp
Classification: Likely benign. Last evaluated: 2024-12-17. Review status: criteria provided, single submitter. Criteria: LabCorp Variant Classification Summary - May 2015. Collection method: clinical testing. Allele origin: germline.
Comment: Variant summary: BRCA1 c.5193+15T>A alters a non-conserved nucleotide located at a position not widely known to affect splicing. Consensus agreement among computation tools predict no significant impact on normal splicing. However, these predictions have yet to be confirmed by functional studies. The variant was absent in 251034 control chromosomes. The available data on variant occurrences in the general population are insufficient to allow any conclusion about variant significance. To our knowledge, no occurrence of c.5193+15T>A in individuals affected with Hereditary Breast And Ovarian Cancer Syndrome has been reported. At least one functional study reports experimental evidence evaluating an impact on protein function and showed no damaging effect of this variant on homology directed repair (HDR) activity (e.g. Findlay_2018). HDR assays qualify as a recognized gold standard on the basis of updated guidance provided by the ClinGen Sequence Variant Interpretation (SVI) working group. These results showed no damaging effect of this variant. ClinVar contains an entry for this variant (Variation ID: 868143). Based on the evidence outlined above, the variant was classified as likely benign.

Labcorp Genetics (formerly Invitae), Labcorp
Classification: Likely benign for Hereditary breast ovarian cancer syndrome. Last evaluated: 2019-12-30. Review status: criteria provided, single submitter. Criteria: Invitae Variant Classification Sherloc (09022015). Collection method: clinical testing. Allele origin: germline.

Brotman Baty Institute, University of Washington
No classification provided (evidence only). Condition: Breast-ovarian cancer, familial 1. Review status: no classification provided. Collection method: in vitro. Allele origin: not applicable. Functional consequence: functionally_normal. Not counted in ClinVar's aggregate classification.
ClinVar note: "not provided" was previously submitted as the classification for the variant. However, the classification appeared to be based only on an observation of functional data so it was converted to no classification on 2025-07-30.

Literature cited by the submitters: PubMed 30209399 (cited by Women's Health and Genetics/Laboratory Corporation of America, LabCorp).

NM_007294.4(BRCA1):c.5193+15T>A

Gene: BRCA1 (BRCA1 DNA repair associated; minus strand). Cytogenetic location: 17q21.31.
Variant type: single nucleotide variant.
Coding change: c.5193+15T>A on transcript NM_007294.4 (MANE Select); 15 bases into the intron after coding-DNA position 5193, T replaced by A.
Molecular consequence: intron variant.
Genome position (GRCh38, 1-based): chr17:43,063,318, A>T on the plus strand (T>A on the coding strand, the complement: BRCA1 is on the minus strand). VCF-style: chr17-43063318-A-T. GRCh37 (hg19) VCF-style: chr17-41215335-A-T.
Other names: c.1740+15T>A (NM_001408458.1, NM_001408461.1, NM_001408464.1 and 7 more transcripts); c.4302+15T>A (NM_001407967.1); c.4812+15T>A (NM_001407959.1); c.4926+15T>A (NM_001407931.1, NM_001407932.1, NM_001407928.1 and 4 more transcripts); c.5049+15T>A (NM_001407747.1, NM_001407745.1, NM_001407737.1 and 21 more transcripts); c.4809+15T>A (NM_001407962.1, NM_001407960.1); c.1380+15T>A (NM_001408512.1); c.1503+15T>A (NM_001408510.1); and 72 more.
Identifiers: ClinVar variation 868143 (VCV000868143.22), dbSNP rs2051850619, ClinGen allele CA916080009.